The following is an entry in ClinVar:

ClinVar aggregate classification (germline): Uncertain significance (1 of 4 stars; one submission).

Conditions:
Deficiency of UDPglucose-hexose-1-phosphate uridylyltransferase. Also called: GALACTOSE-1-PHOSPHATE URIDYLYLTRANSFERASE DEFICIENCY; GALACTOSEMIA I; Transferase Deficiency Galactosemia; GALT deficiency; Galactosemia, classic. Identifiers: Orphanet 352, Orphanet 79239, MedGen C0268151, MONDO:0009258, OMIM 230400.

Submission:

3billion
Classification: Uncertain significance for Deficiency of UDPglucose-hexose-1-phosphate uridylyltransferase. Last evaluated: 2025-08-06. Review status: criteria provided, single submitter. Criteria: ACMG Guidelines, 2015. Collection method: clinical testing. Allele origin: germline. Affected: yes.
Comment: The variant is not observed in the gnomAD v4.1.0 dataset. Predicted Consequence/Location: Synonymous variant In silico tools predict the variant to alter splicing and produce an abnormal transcript [SpliceAI: 0.21 (>=0.2, moderate evidence for spliceogenicity)]. Therefore, this variant is classified as VUS according to the recommendation of ACMG/AMP guideline.

NM_000155.4(GALT):c.102C>T (p.Tyr34=)

Genes: GALT (galactose-1-phosphate uridylyltransferase; plus strand), LOC130001683 (ATAC-STARR-seq lymphoblastoid active region 28314; plus strand). Cytogenetic location: 9p13.3.
Variant type: single nucleotide variant.
Coding change: c.102C>T on transcript NM_000155.4 (MANE Select); coding-DNA position 102, C replaced by T.
Protein change: p.Tyr34=; no amino-acid change (tyrosine 34 retained).
Molecular consequence: synonymous variant. On other transcripts: 5 prime UTR variant (1).
Genome position (GRCh38, 1-based): chr9:34,647,108, C>T. VCF-style: chr9-34647108-C-T. GRCh37 (hg19) VCF-style: chr9-34647105-C-T.
Other names: c.-101C>T (NM_001258332.2).
Identifiers: ClinVar variation 4856337 (VCV004856337.1).
Genomic context (GRCh38, chr9:34,647,108, plus strand): 5'-CTAGAGAGCTCTGAGGACTGATCTTGACTGTCTGCCCCCAGACCATCAGCATATCCGCTA[C>T]AACCCGCTGCAGGATGAGTGGGTGCTGGTGTCAGCTCACCGCATGAAGCGGCCCTGGCAG-3'
Protein context (NP_000146.2, residues 24-44): FRANDHQHIR[Tyr34=]NPLQDEWVLV